The following is an entry in ClinVar:

ClinVar aggregate classification (germline): Uncertain significance (1 of 4 stars; one submission).

Allele frequency attached by ClinVar (database versions not stated): gnomAD exomes below 0.00001.
gnomAD v4.1: 3 of 1,613,708 alleles (0.00019%); highest among the groups gnomAD compares: African/African-American, 0.0013%; no homozygotes.

Submission:

Labcorp Genetics (formerly Invitae), Labcorp
Classification: Uncertain significance. Last evaluated: 2022-05-05. Review status: criteria provided, single submitter. Criteria: Invitae Variant Classification Sherloc (09022015). Collection method: clinical testing. Allele origin: germline.
Comment: In summary, the available evidence is currently insufficient to determine the role of this variant in disease. Therefore, it has been classified as a Variant of Uncertain Significance. This sequence change replaces glutamic acid, which is acidic and polar, with glutamine, which is neutral and polar, at codon 641 of the CEP78 protein (p.Glu641Gln). This variant is not present in population databases (gnomAD no frequency). This variant has not been reported in the literature in individuals affected with CEP78-related conditions. Algorithms developed to predict the effect of missense changes on protein structure and function are either unavailable or do not agree on the potential impact of this missense change (SIFT: "Tolerated"; PolyPhen-2: "Probably Damaging"; Align-GVGD: "Class C0").

NM_001330691.3(CEP78):c.1918G>C (p.Glu640Gln)

Gene: CEP78 (centrosomal protein 78; plus strand). Cytogenetic location: 9q21.2.
Variant type: single nucleotide variant.
Coding change: c.1918G>C on transcript NM_001330691.3 (MANE Select); coding-DNA position 1918, G replaced by C.
Protein change: p.Glu640Gln; replaces glutamic acid 640 with glutamine.
Molecular consequence: missense variant.
Genome position (GRCh38, 1-based): chr9:78,266,514, G>C. VCF-style: chr9-78266514-G-C. GRCh37 (hg19) VCF-style: chr9-80881430-G-C.
Other names: c.1921G>C, p.Glu641Gln (NM_001098802.3, NM_001349839.2); c.1870G>C, p.Glu624Gln (NM_001330693.3, NM_001330694.2); c.1918G>C, p.Glu640Gln (NM_001349838.2); c.1873G>C, p.Glu625Gln (NM_001349840.2, NM_032171.3); short protein forms E640Q, E641Q, E624Q, E625Q.
Identifiers: ClinVar variation 1520564 (VCV001520564.6), dbSNP rs1045957286, ClinGen allele CA194409081.